The following is an entry in ClinVar:

NM_001164508.2(NEB):c.16736G>A (p.Arg5579His)

Gene: NEB (nebulin; minus strand). Cytogenetic location: 2q23.3.
Variant type: single nucleotide variant.
Coding change: c.16736G>A on transcript NM_001164508.2 (MANE Select); coding-DNA position 16736, G replaced by A.
Protein change: p.Arg5579His; replaces arginine 5579 with histidine.
Molecular consequence: missense variant.
Genome position (GRCh38, 1-based): chr2:151,576,323, C>T on the plus strand (G>A on the coding strand, the complement: NEB is on the minus strand). VCF-style: chr2-151576323-C-T. GRCh37 (hg19) VCF-style: chr2-152432837-C-T.
Other names: c.16736G>A, p.Arg5579His (NM_001164507.2, NM_001271208.2); c.11633G>A, p.Arg3878His (NM_004543.5); short protein forms R5579H, R3878H.
Identifiers: ClinVar variation 2048189 (VCV002048189.1), dbSNP rs772866944, ClinGen allele CA1908391.

ClinVar aggregate classification (germline): Uncertain significance (1 of 4 stars; one submission).

Conditions:
Nemaline myopathy 2 (NEM2). Also called: Nemaline myopathy 2, autosomal recessive. Identifiers: MedGen C1850569, MONDO:0009725, OMIM 256030.

Allele frequency attached by ClinVar (database versions not stated): TOPMed 0.00001; ExAC 0.00002.
gnomAD v4.1: 11 of 1,608,168 alleles (0.00068%); highest among the groups gnomAD compares: Middle Eastern, 0.017%; no homozygotes.

Submission:

Labcorp Genetics (formerly Invitae), Labcorp
Classification: Uncertain significance for Nemaline myopathy 2. Last evaluated: 2021-08-30. Review status: criteria provided, single submitter. Criteria: Invitae Variant Classification Sherloc (09022015). Collection method: clinical testing. Allele origin: germline.
Comment: This sequence change replaces arginine with histidine at codon 5579 of the NEB protein (p.Arg5579His). The arginine residue is moderately conserved and there is a small physicochemical difference between arginine and histidine. This variant is present in population databases (rs772866944, ExAC 0.003%). This variant has not been reported in the literature in individuals affected with NEB-related conditions. Algorithms developed to predict the effect of missense changes on protein structure and function are either unavailable or do not agree on the potential impact of this missense change (SIFT: "Deleterious"; PolyPhen-2: "Not Available"; Align-GVGD: "Class C0"). In summary, the available evidence is currently insufficient to determine the role of this variant in disease. Therefore, it has been classified as a Variant of Uncertain Significance.